The following is an entry in ClinVar:

ClinVar aggregate classification (germline): Benign (1 of 4 stars; one submission).

Allele frequency attached by ClinVar (database versions not stated): gnomAD 0.72467 and 0.72770; TOPMed 0.73336; 1000 Genomes Project 0.75359; 1000 Genomes Project 30x 0.75671.
gnomAD v4.1: 109,679 of 151,390 alleles (72%); highest among the groups gnomAD compares: African/African-American, 89%; 40,553 homozygotes.

Submission:

GeneDx
Classification: Benign. Last evaluated: 2018-06-19. Review status: criteria provided, single submitter. Criteria: GeneDx Variant Classification (06012015). Collection method: clinical testing. Allele origin: germline. Affected: yes.
Comment: This variant is considered likely benign or benign based on one or more of the following criteria: it is a conservative change, it occurs at a poorly conserved position in the protein, it is predicted to be benign by multiple in silico algorithms, and/or has population frequency not consistent with disease.

NM_017668.3(NDE1):c.83+188T>C

Gene: NDE1 (nudE neurodevelopment protein 1; plus strand). Cytogenetic location: 16p13.11.
Variant type: single nucleotide variant.
Coding change: c.83+188T>C on transcript NM_017668.3 (MANE Select); 188 bases into the intron after coding-DNA position 83, T replaced by C.
Molecular consequence: intron variant.
Genome position (GRCh38, 1-based): chr16:15,665,049, T>C. VCF-style: chr16-15665049-T-C. GRCh37 (hg19) VCF-style: chr16-15758906-T-C.
Other names: c.83+188T>C (NM_001143979.2).
Identifiers: ClinVar variation 670960 (VCV000670960.1), dbSNP rs7184854, ClinGen allele CA14214112.